The following is an entry in ClinVar:

ClinVar aggregate classification (germline): Likely benign (1 of 4 stars; one submission).

Submission:

Women's Health and Genetics/Laboratory Corporation of America, LabCorp
Classification: Likely benign. Last evaluated: 2026-01-28. Review status: criteria provided, single submitter. Criteria: LabCorp Variant Classification Summary - May 2015. Collection method: clinical testing. Allele origin: germline.
Comment: Variant summary: CFTR c.2988+48delC is located at a position not widely known to affect splicing. Consensus agreement among computation tools predict no significant impact on normal splicing. However, these predictions have yet to be confirmed by functional studies. The variant allele was found at a frequency of 5.7e-05 in 247314 control chromosomes. This frequency is not significantly higher than estimated for disease-causing variants in CFTR, allowing no conclusion about variant significance. To our knowledge, no occurrence of c.2988+48delC in individuals affected with CFTR-related conditions and no experimental evidence demonstrating its impact on protein function have been reported. No submitters have cited clinical-significance assessments for this variant to ClinVar. Based on the evidence outlined above, the variant was classified as likely benign.

NM_000492.4(CFTR):c.2988+48del

Genes: CFTR (CF transmembrane conductance regulator; plus strand), CFTR-AS2 (CFTR antisense RNA 2; minus strand). Cytogenetic location: 7q31.2.
Variant type: Deletion.
Coding change: c.2988+48del on transcript NM_000492.4 (MANE Select); 48 bases into the intron after coding-DNA position 2988, one base deleted (C; older notation c.2988+48delC).
Molecular consequence: intron variant.
Genome position (GRCh38, 1-based): chr7:117,606,801, C deleted. VCF-style (leftmost placement, unchanged base first): chr7-117606800-AC-A. GRCh37 (hg19) VCF-style: chr7-117246854-AC-A.
Other names: c.2988+48delC (NM_000492.4).
Identifiers: ClinVar variation 4689161 (VCV004689161.1).